The following is an entry in ClinVar:

ClinVar aggregate classification (germline): Benign (1 of 4 stars; one submission).

Submission:

CeGaT Center for Human Genetics Tuebingen
Classification: Benign. Last evaluated: 2022-06-01. Review status: criteria provided, single submitter. Criteria: CeGaT Center For Human Genetics Tuebingen Variant Classification Criteria Version 2. Collection method: clinical testing. Allele origin: germline. Affected: yes. Observed: 1 variant allele.
Comment: PITPNM3: BS1, BS2

NM_031220.4(PITPNM3):c.*2316GA[6]

Gene: PITPNM3 (PITPNM family member 3; minus strand). Cytogenetic location: 17p13.2.
Variant type: Microsatellite.
Coding change: c.*2316GA[6] on transcript NM_031220.4 (MANE Select); six copies in a row of the 2-base unit GA starting at c.*2316; the reference has ten copies in a row; four copies, 8 bases deleted.
Molecular consequence: 3 prime UTR variant.
Genome position (GRCh38, 1-based): chr17:6,453,003-6,453,010, TCTCTCTC deleted on the plus strand (GAGAGAGA on the coding strand, the reverse complement: PITPNM3 is on the minus strand); deleting any 8 consecutive bases within chr17:6,453,003-6,453,023 gives the same sequence; the position shown is the placement nearest the transcript's 3' end. VCF-style (leftmost placement, unchanged base first): chr17-6453002-TTCTCTCTC-T. GRCh37 (hg19) VCF-style: chr17-6356322-TTCTCTCTC-T.
Other names: c.*2316GA[6] (NM_001165966.2).
Identifiers: ClinVar variation 2647310 (VCV002647310.24), dbSNP rs112833778, ClinGen allele CA287339843.